The following is an entry in ClinVar:

ClinVar aggregate classification (germline): Uncertain significance. Review status: criteria provided, multiple submitters, no conflicts (2 of 4 stars). 3 submissions from 3 submitters: Uncertain significance (3). Last evaluated 2024-10-08.

Conditions:
Inborn genetic diseases. Identifiers: MedGen C0950123, MeSH D030342.

Allele frequency attached by ClinVar (database versions not stated): gnomAD 0.00002; TOPMed 0.00003; ExAC 0.00006; gnomAD exomes 0.00006 and 0.00008; ESP Exome Variant Server 0.00017.
gnomAD v4.1: 123 of 1,590,820 alleles (0.0077%); highest among the groups gnomAD compares: Non-Finnish European, 0.01%; no homozygotes.

Submissions (3):

Ambry Genetics
Classification: Uncertain significance for Inborn genetic diseases. Last evaluated: 2024-10-08. Review status: criteria provided, single submitter. Criteria: Ambry Variant Classification Scheme 2023. Collection method: clinical testing. Allele origin: germline.

Labcorp Genetics (formerly Invitae), Labcorp
Classification: Uncertain significance. Last evaluated: 2022-10-01. Review status: criteria provided, single submitter. Criteria: Invitae Variant Classification Sherloc (09022015). Collection method: clinical testing. Allele origin: germline.
Comment: This variant has not been reported in the literature in individuals affected with OTOGL-related conditions. This variant is present in population databases (rs371086474, gnomAD 0.01%). This sequence change replaces isoleucine, which is neutral and non-polar, with asparagine, which is neutral and polar, at codon 261 of the OTOGL protein (p.Ile261Asn). ClinVar contains an entry for this variant (Variation ID: 1307443). In summary, the available evidence is currently insufficient to determine the role of this variant in disease. Therefore, it has been classified as a Variant of Uncertain Significance. Algorithms developed to predict the effect of missense changes on protein structure and function are either unavailable or do not agree on the potential impact of this missense change (SIFT: "Tolerated"; PolyPhen-2: "Possibly Damaging"; Align-GVGD: "Class C0").

GeneDx
Classification: Uncertain significance. Last evaluated: 2022-01-03. Review status: criteria provided, single submitter. Criteria: GeneDx Variant Classification Process June 2021. Collection method: clinical testing. Allele origin: germline. Affected: yes.
Comment: In silico analysis, which includes protein predictors and evolutionary conservation, supports a deleterious effect; Has not been previously published as pathogenic or benign to our knowledge

NM_001378609.3(OTOGL):c.809T>A (p.Ile270Asn)

Gene: OTOGL (otogelin like; plus strand). Cytogenetic location: 12q21.31.
Variant type: single nucleotide variant.
Coding change: c.809T>A on transcript NM_001378609.3 (MANE Select); coding-DNA position 809, T replaced by A.
Protein change: p.Ile270Asn; replaces isoleucine 270 with asparagine.
Molecular consequence: missense variant.
Genome position (GRCh38, 1-based): chr12:80,233,089, T>A. VCF-style: chr12-80233089-T-A. GRCh37 (hg19) VCF-style: chr12-80626869-T-A.
Other names: c.809T>A, p.Ile270Asn (NM_001368062.3, NM_001378610.3, NM_173591.7); short protein forms I270N.
Identifiers: ClinVar variation 1307443 (VCV001307443.7), dbSNP rs371086474, ClinGen allele CA6700262.